The following is an entry in ClinVar:

NM_015915.5(ATL1):c.1079T>G (p.Val360Gly)

Gene: ATL1 (atlastin GTPase 1; plus strand). Cytogenetic location: 14q22.1.
Variant type: single nucleotide variant.
Coding change: c.1079T>G on transcript NM_015915.5 (MANE Select); coding-DNA position 1079, T replaced by G.
Protein change: p.Val360Gly; replaces valine 360 with glycine.
Molecular consequence: missense variant.
Genome position (GRCh38, 1-based): chr14:50,623,208, T>G. VCF-style: chr14-50623208-T-G. GRCh37 (hg19) VCF-style: chr14-51089926-T-G.
Other names: c.1079T>G, p.Val360Gly (NM_001127713.1, NM_181598.4); short protein forms V360G.
Identifiers: ClinVar variation 2742148 (VCV002742148.3), dbSNP rs2039484626, ClinGen allele CA389674170.

ClinVar aggregate classification (germline): Uncertain significance (1 of 4 stars; one submission).

Conditions:
Hereditary spastic paraplegia 3A (SPG3A). Also called: Spastic paraplegia 3A, autosomal dominant; SPASTIC PARAPLEGIA 3, AUTOSOMAL DOMINANT; FAMILIAL SPASTIC PARAPLEGIA, AUTOSOMAL DOMINANT, 1; SPG3; STRUMPELL DISEASE; Spastic Paraplegia 3A. Identifiers: Orphanet 100984, MedGen C2931355, MONDO:0008437, OMIM 182600.

Submission:

Labcorp Genetics (formerly Invitae), Labcorp
Classification: Uncertain significance for Hereditary spastic paraplegia 3A. Last evaluated: 2023-07-12. Review status: criteria provided, single submitter. Criteria: Invitae Variant Classification Sherloc (09022015). Collection method: clinical testing. Allele origin: germline.
Comment: In summary, the available evidence is currently insufficient to determine the role of this variant in disease. Therefore, it has been classified as a Variant of Uncertain Significance. This variant disrupts the p.Val360 amino acid residue in ATL1. Other variant(s) that disrupt this residue have been determined to be pathogenic (Invitae). This suggests that this residue is clinically significant, and that variants that disrupt this residue are likely to be disease-causing. Advanced modeling of protein sequence and biophysical properties (such as structural, functional, and spatial information, amino acid conservation, physicochemical variation, residue mobility, and thermodynamic stability) performed at Invitae indicates that this missense variant is not expected to disrupt ATL1 protein function. This variant has not been reported in the literature in individuals affected with ATL1-related conditions. This variant is not present in population databases (gnomAD no frequency). This sequence change replaces valine, which is neutral and non-polar, with glycine, which is neutral and non-polar, at codon 360 of the ATL1 protein (p.Val360Gly).